The following is an entry in ClinVar:

NM_001743.6(CALM2):c.247G>A (p.Glu83Lys)

Gene: CALM2 (calmodulin 2; minus strand). Cytogenetic location: 2p21.
Variant type: single nucleotide variant.
Coding change: c.247G>A on transcript NM_001743.6 (MANE Select); coding-DNA position 247, G replaced by A.
Protein change: p.Glu83Lys; replaces glutamic acid 83 with lysine.
Molecular consequence: missense variant.
Genome position (GRCh38, 1-based): chr2:47,162,324, C>T on the plus strand (G>A on the coding strand, the complement: CALM2 is on the minus strand). VCF-style: chr2-47162324-C-T. GRCh37 (hg19) VCF-style: chr2-47389463-C-T.
Other names: c.391G>A, p.Glu131Lys (NM_001305624.1); c.139G>A, p.Glu47Lys (NM_001305625.2, NM_001305626.1); short protein forms E83K, E47K, E131K.
Identifiers: ClinVar variation 854156 (VCV000854156.11), dbSNP rs1687185703, ClinGen allele CA346719412.
Genomic context (GRCh38, chr2:47,162,324, plus strand): 5'-ACATATCCAGTCCTTGACGTACCTTATCAAACACACGGAATGCTTCTCTAATTTCTTCTT[C>T]ACTGTCTGTGTCTTTCATTTTTCTTGCCATCATTGTCAGAAATTCAGGGAAGTCAATTGT-3'
Protein context (NP_001734.1, residues 73-93): MARKMKDTDS[Glu83Lys]EEIREAFRVF

ClinVar aggregate classification (germline): Uncertain significance (1 of 4 stars; one submission).

Conditions:
Long QT syndrome 1 (LQT1). Identifiers: Orphanet 101016, Orphanet 768, MedGen C4551647, MONDO:0100316, OMIM 192500, MONDO:0008646.

Submission:

Labcorp Genetics (formerly Invitae), Labcorp
Classification: Uncertain significance for Long QT syndrome 1. Last evaluated: 2019-01-25. Review status: criteria provided, single submitter. Criteria: Invitae Variant Classification Sherloc (09022015). Collection method: clinical testing. Allele origin: germline.
Comment: In summary, the available evidence is currently insufficient to determine the role of this variant in disease. Therefore, it has been classified as a Variant of Uncertain Significance. Algorithms developed to predict the effect of missense changes on protein structure and function are either unavailable or do not agree on the potential impact of this missense change (SIFT: "Deleterious"; PolyPhen-2: "Benign"; Align-GVGD: "Class C55"). This variant has not been reported in the literature in individuals with CALM2-related conditions. This variant is not present in population databases (ExAC no frequency). This sequence change replaces glutamic acid with lysine at codon 83 of the CALM2 protein (p.Glu83Lys). The glutamic acid residue is highly conserved and there is a small physicochemical difference between glutamic acid and lysine.